The following is an entry in ClinVar:

ClinVar aggregate classification (germline): Uncertain significance (1 of 4 stars; one submission).

Submission:

Women's Health and Genetics/Laboratory Corporation of America, LabCorp
Classification: Uncertain significance. Last evaluated: 2023-05-16. Review status: criteria provided, single submitter. Criteria: LabCorp Variant Classification Summary - May 2015. Collection method: clinical testing. Allele origin: germline.
Comment: Variant summary: MYL2 c.359G>C (p.Arg120Pro) results in a non-conservative amino acid change located in the EF-hand domain (IPR002048) of the encoded protein sequence. Three of five in-silico tools predict a damaging effect of the variant on protein function. The variant was absent in 251486 control chromosomes. The available data on variant occurrences in the general population are insufficient to allow any conclusion about variant significance. To our knowledge, no occurrence of c.359G>C in individuals affected with Hypertrophic Cardiomyopathy and no experimental evidence demonstrating its impact on protein function have been reported. No clinical diagnostic laboratories have submitted clinical-significance assessments for this variant to ClinVar after 2014. Based on the evidence outlined above, the variant was classified as uncertain significance.

NM_000432.4(MYL2):c.359G>C (p.Arg120Pro)

Gene: MYL2 (myosin light chain 2; minus strand). Cytogenetic location: 12q24.11.
Variant type: single nucleotide variant.
Coding change: c.359G>C on transcript NM_000432.4 (MANE Select); coding-DNA position 359, G replaced by C.
Protein change: p.Arg120Pro; replaces arginine 120 with proline.
Molecular consequence: missense variant.
Genome position (GRCh38, 1-based): chr12:110,913,139, C>G on the plus strand (G>C on the coding strand, the complement: MYL2 is on the minus strand). VCF-style: chr12-110913139-C-G. GRCh37 (hg19) VCF-style: chr12-111350943-C-G.
Other names: c.317G>C, p.Arg106Pro (NM_001406745.1, NM_001406746.1); c.302G>C, p.Arg101Pro (NM_001406916.1); short protein forms R101P, R106P, R120P.
Identifiers: ClinVar variation 2506195 (VCV002506195.1), dbSNP rs192057022, ClinGen allele CA386697805.
Genomic context (GRCh38, chr12:110,913,139, plus strand): 5'-TTGAAGGACCCCATTACCTCCTCCTTGGAAAACCTCTCCGCCTGCGTGGTCAGCATTTCC[C>G]GAACGCTGCAGAGAAAGGAAAGCAGGTGTTGGTGTCAGTTGTGTGTGTGTAGGGGGGACA-3'
Protein context (NP_000423.2, residues 110-130): GKGVLKADYV[Arg120Pro]EMLTTQAERF